The following is an entry in ClinVar:

NM_144670.6(A2ML1):c.983A>G (p.Asn328Ser)

Gene: A2ML1 (alpha-2-macroglobulin like 1; plus strand). Cytogenetic location: 12p13.31.
Variant type: single nucleotide variant.
Coding change: c.983A>G on transcript NM_144670.6 (MANE Select); coding-DNA position 983, A replaced by G.
Protein change: p.Asn328Ser; replaces asparagine 328 with serine.
Molecular consequence: missense variant.
Genome position (GRCh38, 1-based): chr12:8,839,125, A>G. VCF-style: chr12-8839125-A-G. GRCh37 (hg19) VCF-style: chr12-8991721-A-G.
Other names: c.983A>G (NM_144670.3); short protein forms N328S.
Identifiers: ClinVar variation 1958848 (VCV001958848.8), dbSNP rs1336782276, ClinGen allele CA383823550.
Genomic context (GRCh38, chr12:8,839,125, plus strand): 5'-GAGAATATCAGGTGCCTAGATCTTTATACATCTGGTTTCCCTCTGCAGGTGTGGAGGCCA[A>G]TGCCACTCAGAATATCTACATTTCTCCACAAATGGGATCAATGACCTTTGAAGACACCAG-3'
Protein context (NP_653271.3, residues 318-338): VVEEGTGVEA[Asn328Ser]ATQNIYISPQ

ClinVar aggregate classification (germline): Uncertain significance. Review status: criteria provided, multiple submitters, no conflicts (2 of 4 stars). 2 submissions from 2 submitters: Uncertain significance (2). Last evaluated 2025-12-01.

Allele frequency attached by ClinVar (database versions not stated): gnomAD 0.00001; TOPMed below 0.00001.
gnomAD v4.1: 5 of 1,612,726 alleles (0.00031%); highest among the groups gnomAD compares: East Asian, 0.0022%; no homozygotes.

Submissions (2):

Ambry Genetics
Classification: Uncertain significance. Last evaluated: 2025-12-01. Review status: criteria provided, single submitter. Criteria: Ambry Variant Classification Scheme 2023. Collection method: clinical testing. Allele origin: germline.
Comment: The p.N328S variant (also known as c.983A>G), located in coding exon 10 of the A2ML1 gene, results from an A to G substitution at nucleotide position 983. The asparagine at codon 328 is replaced by serine, an amino acid with highly similar properties. This amino acid position is conserved. In addition, this alteration is predicted to be tolerated by in silico analysis. Since supporting evidence is limited at this time, the clinical significance of this alteration remains unclear.

Labcorp Genetics (formerly Invitae), Labcorp
Classification: Uncertain significance. Last evaluated: 2025-03-03. Review status: criteria provided, single submitter. Criteria: Invitae Variant Classification Sherloc (09022015). Collection method: clinical testing. Allele origin: germline.
Comment: This sequence change replaces asparagine, which is neutral and polar, with serine, which is neutral and polar, at codon 328 of the A2ML1 protein (p.Asn328Ser). This variant is present in population databases (no rsID available, gnomAD 0.1%). This variant has not been reported in the literature in individuals affected with A2ML1-related conditions. ClinVar contains an entry for this variant (Variation ID: 1958848). An algorithm developed to predict the effect of missense changes on protein structure and function (PolyPhen-2) suggests that this variant is likely to be tolerated. In summary, the available evidence is currently insufficient to determine the role of this variant in disease. Therefore, it has been classified as a Variant of Uncertain Significance.